The following is an entry in ClinVar:

NM_001127222.2(CACNA1A):c.2428C>T (p.His810Tyr)

Gene: CACNA1A (calcium voltage-gated channel subunit alpha1 A; minus strand). Cytogenetic location: 19p13.13.
Variant type: single nucleotide variant.
Coding change: c.2428C>T on transcript NM_001127222.2 (MANE Select); coding-DNA position 2428, C replaced by T.
Protein change: p.His810Tyr; replaces histidine 810 with tyrosine.
Molecular consequence: missense variant.
Genome position (GRCh38, 1-based): chr19:13,299,205, G>A on the plus strand (C>T on the coding strand, the complement: CACNA1A is on the minus strand). VCF-style: chr19-13299205-G-A. GRCh37 (hg19) VCF-style: chr19-13410019-G-A.
Other names: c.2440C>T, p.His814Tyr (NM_000068.4, NM_023035.3); c.2431C>T, p.His811Tyr (NM_001127221.2, NM_001174080.2); short protein forms H810Y, H811Y, H814Y.
Identifiers: ClinVar variation 2439634 (VCV002439634.4), dbSNP rs2512910173, ClinGen allele CA404343473.

ClinVar aggregate classification (germline): Uncertain significance. Review status: criteria provided, multiple submitters, no conflicts (2 of 4 stars). 2 submissions from 2 submitters: Uncertain significance (2). Last evaluated 2024-05-22.

Submissions (2):

GeneDx
Classification: Uncertain significance. Last evaluated: 2024-05-22. Review status: criteria provided, single submitter. Criteria: GeneDx Variant Classification Process June 2021. Collection method: clinical testing. Allele origin: germline. Affected: yes.
Comment: Not observed at significant frequency in large population cohorts (gnomAD); In silico analysis supports that this missense variant has a deleterious effect on protein structure/function; Has not been previously published as pathogenic or benign to our knowledge

Revvity Omics, Revvity
Classification: Uncertain significance. Last evaluated: 2021-10-07. Review status: criteria provided, single submitter. Criteria: ACMG Guidelines, 2015. Collection method: clinical testing. Allele origin: germline.